The following is an entry in ClinVar:

NM_002474.3(MYH11):c.871G>T (p.Ala291Ser)

Gene: MYH11 (myosin heavy chain 11; minus strand). Cytogenetic location: 16p13.11.
Variant type: single nucleotide variant.
Coding change: c.871G>T on transcript NM_002474.3 (MANE Select); coding-DNA position 871, G replaced by T.
Protein change: p.Ala291Ser; replaces alanine 291 with serine.
Molecular consequence: missense variant.
Genome position (GRCh38, 1-based): chr16:15,776,096, C>A on the plus strand (G>T on the coding strand, the complement: MYH11 is on the minus strand). VCF-style: chr16-15776096-C-A. GRCh37 (hg19) VCF-style: chr16-15869953-C-A.
Other names: c.892G>T, p.Ala298Ser (NM_001040113.2, NM_001040114.2); c.871G>T, p.Ala291Ser (NM_022844.3); short protein forms A291S, A298S.
Identifiers: ClinVar variation 3387253 (VCV003387253.1).

ClinVar aggregate classification (germline): Uncertain significance (1 of 4 stars; one submission).

Conditions:
Familial thoracic aortic aneurysm and aortic dissection (TAAD). Also called: Thoracic aortic aneurysms and dissections. Identifiers: Orphanet 91387, MedGen C4707243, MONDO:0019625.

gnomAD v4.1: 2 of 1,613,330 alleles (0.00012%); highest among the groups gnomAD compares: African/African-American, 0.0027%; no homozygotes.

Submission:

All of Us Research Program, National Institutes of Health
Classification: Uncertain significance for Familial thoracic aortic aneurysm and aortic dissection. Last evaluated: 2024-05-09. Review status: criteria provided, single submitter. Criteria: ACMG Guidelines, 2015. Collection method: clinical testing. Allele origin: germline. Inheritance: Autosomal dominant inheritance. Observed: 1 variant allele, 1 heterozygote.
Comment: This study involves interpretation of variants in research participants for the purpose of population health screening. Participant phenotype was not available at the time of variant classification. Additional details can be found in publication PMID: 35346344, PMCID: PMC8962531